The following is an entry in ClinVar:

ClinVar aggregate classification (germline): Pathogenic (1 of 4 stars; one submission).

Conditions:
Mitochondrial DNA depletion syndrome. Also called: mitochondrial DNA depletion. Identifiers: Orphanet 35698, MedGen C0342782, MONDO:0018158.

Submission:

Women's Health and Genetics/Laboratory Corporation of America, LabCorp
Classification: Pathogenic for Mitochondrial DNA depletion syndrome. Last evaluated: 2025-07-21. Review status: criteria provided, single submitter. Criteria: LabCorp Variant Classification Summary - May 2015. Collection method: clinical testing. Allele origin: germline.
Comment: Variant summary: POLG c.132_133insTAGCAGCAG (p.Gln45X) results in a premature termination codon, predicted to cause a truncation of the encoded protein or absence of the protein due to nonsense mediated decay, which are commonly known mechanisms for disease. The variant was absent in 220244 control chromosomes. To our knowledge, no occurrence of c.132_133insTAGCAGCAG in individuals affected with Mitochondrial DNA Depletion Syndrome - POLG Related and no experimental evidence demonstrating its impact on protein function have been reported. No submitters have cited clinical-significance assessments for this variant to ClinVar. Based on the evidence outlined above, the variant was classified as pathogenic.

NM_002693.3(POLG):c.132_133insTAGCAGCAG (p.Gln45Ter)

Genes: POLG (DNA polymerase gamma, catalytic subunit; minus strand), POLGARF (POLG alternative reading frame; minus strand). Cytogenetic location: 15q26.1.
Variant type: Microsatellite.
Coding change: c.132_133insTAGCAGCAG on transcript NM_002693.3 (MANE Select); coding-DNA positions 132 to 133, TAGCAGCAG inserted.
Protein change: p.Gln45Ter; replaces glutamine 45 with a stop codon.
Molecular consequence: nonsense.
Genome position: GRCh38 VCF-style: chr15-89333622-G-GCTGCTGCTA. GRCh37 (hg19) VCF-style: chr15-89876853-G-GCTGCTGCTA.
Other names: c.187_188insTAGCAGCAG, p.Ala62_Ala63insValAlaAla (NM_001430120.1); c.132_133insTAGCAGCAG, p.Gln45Ter (NM_001126131.2); short protein forms Q45*.
Identifiers: ClinVar variation 4525746 (VCV004525746.1).